The following is an entry in ClinVar:

NM_004484.4(GPC3):c.1700G>C (p.Ser567Thr)

Gene: GPC3 (glypican 3; minus strand). Cytogenetic location: Xq26.2.
Variant type: single nucleotide variant.
Coding change: c.1700G>C on transcript NM_004484.4 (MANE Select); coding-DNA position 1700, G replaced by C.
Protein change: p.Ser567Thr; replaces serine 567 with threonine.
Molecular consequence: missense variant.
Genome position (GRCh38, 1-based): chrX:133,536,167, C>G on the plus strand (G>C on the coding strand, the complement: GPC3 is on the minus strand). VCF-style: chrX-133536167-C-G. GRCh37 (hg19) VCF-style: chrX-132670195-C-G.
Other names: c.1769G>C, p.Ser590Thr (NM_001164617.2); c.1652G>C, p.Ser551Thr (NM_001164618.2); c.1538G>C, p.Ser513Thr (NM_001164619.2); short protein forms S567T, S513T, S551T, S590T.
Identifiers: ClinVar variation 2156355 (VCV002156355.4), dbSNP rs2520462572, ClinGen allele CA414702495.

ClinVar aggregate classification (germline): Uncertain significance (1 of 4 stars; one submission).

Conditions:
Wilms tumor 1 (WT1). Also called: Wilms tumor, somatic. Identifiers: Orphanet 654, MedGen CN033288, MONDO:0008679, OMIM 194070.

Submission:

Labcorp Genetics (formerly Invitae), Labcorp
Classification: Uncertain significance for Wilms tumor 1. Last evaluated: 2022-07-21. Review status: criteria provided, single submitter. Criteria: Invitae Variant Classification Sherloc (09022015). Collection method: clinical testing. Allele origin: germline.
Comment: This sequence change replaces serine, which is neutral and polar, with threonine, which is neutral and polar, at codon 567 of the GPC3 protein (p.Ser567Thr). This variant is not present in population databases (gnomAD no frequency). This variant has not been reported in the literature in individuals affected with GPC3-related conditions. Algorithms developed to predict the effect of missense changes on protein structure and function (SIFT, PolyPhen-2, Align-GVGD) all suggest that this variant is likely to be tolerated. In summary, the available evidence is currently insufficient to determine the role of this variant in disease. Therefore, it has been classified as a Variant of Uncertain Significance.